The following is an entry in ClinVar:

ClinVar aggregate classification (germline): Conflicting classifications of pathogenicity. Review status: criteria provided, conflicting classifications (1 of 4 stars). 2 submissions from 2 submitters: Uncertain significance (1); Likely benign (1). Last evaluated 2026-04-21.

Conditions:
Hereditary cancer-predisposing syndrome. Also called: Tumor predisposition; Hereditary neoplastic syndrome; Neoplastic Syndromes, Hereditary; Hereditary Cancer Syndrome. Identifiers: Orphanet 140162, MedGen C0027672, MeSH D009386, MONDO:0015356.
Oligodontia-cancer predisposition syndrome. Also called: TOOTH AGENESIS-COLORECTAL CANCER SYNDROME. Identifiers: Orphanet 300576, MedGen C1837750, MONDO:0012075, OMIM 608615. Disease mechanism: loss of function.

gnomAD v4.1: 1 of 1,612,172 alleles (0.000062%); highest among the groups gnomAD compares: Non-Finnish European, 0.000085%; no homozygotes.

Submissions (2):

Ambry Genetics
Classification: Likely benign for Hereditary cancer-predisposing syndrome. Last evaluated: 2026-04-21. Review status: criteria provided, single submitter. Criteria: Ambry Variant Classification Scheme 2023. Collection method: clinical testing. Allele origin: germline.

Labcorp Genetics (formerly Invitae), Labcorp
Classification: Uncertain significance for Oligodontia-cancer predisposition syndrome. Last evaluated: 2024-03-30. Review status: criteria provided, single submitter. Criteria: Invitae Variant Classification Sherloc (09022015). Collection method: clinical testing. Allele origin: germline.
Comment: This sequence change replaces leucine, which is neutral and non-polar, with valine, which is neutral and non-polar, at codon 592 of the AXIN2 protein (p.Leu592Val). This variant is not present in population databases (gnomAD no frequency). This variant has not been reported in the literature in individuals affected with AXIN2-related conditions. ClinVar contains an entry for this variant (Variation ID: 533218). An algorithm developed to predict the effect of missense changes on protein structure and function (PolyPhen-2) suggests that this variant is likely to be tolerated. In summary, the available evidence is currently insufficient to determine the role of this variant in disease. Therefore, it has been classified as a Variant of Uncertain Significance.

NM_004655.4(AXIN2):c.1774C>G (p.Leu592Val)

Gene: AXIN2 (axin 2; minus strand). Cytogenetic location: 17q24.1.
Variant type: single nucleotide variant.
Coding change: c.1774C>G on transcript NM_004655.4 (MANE Select); coding-DNA position 1774, C replaced by G.
Protein change: p.Leu592Val; replaces leucine 592 with valine.
Molecular consequence: missense variant. On other transcripts: intron variant (1).
Genome position (GRCh38, 1-based): chr17:65,537,002, G>C on the plus strand (C>G on the coding strand, the complement: AXIN2 is on the minus strand). VCF-style: chr17-65537002-G-C. GRCh37 (hg19) VCF-style: chr17-63533120-G-C.
Other names: c.1712+322C>G (NM_001363813.1); c.1774C>G (LRG_296t1); short protein forms L592V.
Identifiers: ClinVar variation 533218 (VCV000533218.9), dbSNP rs1159551938, ClinGen allele CA400676648.
Genomic context (GRCh38, chr17:65,537,002, plus strand): 5'-CCTCCCGGGGAAGCTGCAGGGCCCCAGCTCCGCCGGGGGCCCCTCCTTCCCTGGCGGGCA[G>C]GGCCAGGCCCGGCTCCGTGCCTTTCCCATTGCGTTTGGGCAAGGTACTGCCTCTGCTGCC-3'
Protein context (NP_004646.3, residues 582-602): NGKGTEPGLA[Leu592Val]PAREGGAPGG